The following is an entry in ClinVar:

NM_138927.4(SON):c.5297C>G (p.Ser1766Cys)

Gene: SON (SON DNA and RNA binding protein; plus strand). Cytogenetic location: 21q22.11.
Variant type: single nucleotide variant.
Coding change: c.5297C>G on transcript NM_138927.4 (MANE Select); coding-DNA position 5297, C replaced by G.
Protein change: p.Ser1766Cys; replaces serine 1766 with cysteine.
Molecular consequence: missense variant. On other transcripts: non-coding transcript variant (1), intron variant (1).
Genome position (GRCh38, 1-based): chr21:33,554,528, C>G. VCF-style: chr21-33554528-C-G. GRCh37 (hg19) VCF-style: chr21-34926834-C-G.
Other names: c.5297C>G, p.Ser1766Cys (NM_001291411.2, NM_032195.3); c.245-2628C>G (NM_001291412.3); short protein forms S1766C.
Identifiers: ClinVar variation 3357185 (VCV003357185.3).

ClinVar aggregate classification (germline): Likely benign. Review status: criteria provided, single submitter (1 of 4 stars). 2 submissions from 2 submitters: Likely benign (1). 1 of the submissions does not count toward it. Last evaluated 2025-02-10.

Conditions:
SON-related disorder. Also called: SON-related condition.

gnomAD v4.1: 27 of 1,614,106 alleles (0.0017%); highest among the groups gnomAD compares: South Asian, 0.029%; no homozygotes.

Submissions (2):

Labcorp Genetics (formerly Invitae), Labcorp
Classification: Likely benign. Last evaluated: 2025-02-10. Review status: criteria provided, single submitter. Criteria: Invitae Variant Classification Sherloc (09022015). Collection method: clinical testing. Allele origin: germline.

PreventionGenetics, part of Exact Sciences
Classification: Likely benign for SON-related condition. Last evaluated: 2024-09-23. Review status: no assertion criteria provided. Collection method: clinical testing. Allele origin: germline. Not counted in ClinVar's aggregate classification.
Comment: This variant is classified as likely benign based on ACMG/AMP sequence variant interpretation guidelines (Richards et al. 2015 PMID: 25741868, with internal and published modifications).